The following is an entry in ClinVar:

NM_207037.2(TCF12):c.971-5T>G

Gene: TCF12 (transcription factor 12; plus strand). Cytogenetic location: 15q21.3.
Variant type: single nucleotide variant.
Coding change: c.971-5T>G on transcript NM_207037.2 (MANE Select); 5 bases into the intron before coding-DNA position 971, T replaced by G.
Molecular consequence: intron variant.
Genome position (GRCh38, 1-based): chr15:57,234,038, T>G. VCF-style: chr15-57234038-T-G. GRCh37 (hg19) VCF-style: chr15-57526236-T-G.
Other names: c.971-5T>G (NM_001322151.2, NM_001322159.3, NM_001322157.3 and 7 more transcripts); c.797-5T>G (NM_001322156.2, NM_001322158.2); c.314-5T>G (NM_001322154.2); c.1007-5T>G (NM_001322164.2); c.461-5T>G (NM_001306219.3, NM_207040.2); c.263-5T>G (NM_001306220.3).
Identifiers: ClinVar variation 1363939 (VCV001363939.8), dbSNP rs2151933795, ClinGen allele CA2573151012.

ClinVar aggregate classification (germline): Uncertain significance (1 of 4 stars; one submission).

Submission:

Labcorp Genetics (formerly Invitae), Labcorp
Classification: Uncertain significance. Last evaluated: 2021-07-14. Review status: criteria provided, single submitter. Criteria: Invitae Variant Classification Sherloc (09022015). Collection method: clinical testing. Allele origin: germline.
Comment: This sequence change falls in intron 11 of the TCF12 gene. It does not directly change the encoded amino acid sequence of the TCF12 protein. This variant has been observed in individual(s) with clinical features of TCF12-related conditions (Invitae). This variant is not present in population databases (ExAC no frequency). In summary, the available evidence is currently insufficient to determine the role of this variant in disease. Therefore, it has been classified as a Variant of Uncertain Significance. Algorithms developed to predict the effect of sequence changes on RNA splicing suggest that this variant may disrupt the consensus splice site.